The following is an entry in ClinVar:

ClinVar aggregate classification (germline): Uncertain significance (1 of 4 stars; one submission).

Conditions:
Dilated cardiomyopathy 1R (CMD1R). Identifiers: Orphanet 154, Orphanet 54260, MedGen C3150681, MONDO:0013261, OMIM 613424.
Atrial septal defect 5 (ASD5). Identifiers: Orphanet 1478, MedGen C2748552, MONDO:0013011, OMIM 612794.
Hypertrophic cardiomyopathy 11. Also called: ACTC1-Related Familial Hypertrophic Cardiomyopathy. Identifiers: MedGen C2677506, MONDO:0012799, OMIM 612098.

Submission:

Labcorp Genetics (formerly Invitae), Labcorp
Classification: Uncertain significance for Dilated cardiomyopathy 1R; Hypertrophic cardiomyopathy 11; Atrial septal defect 5. Last evaluated: 2024-03-11. Review status: criteria provided, single submitter. Criteria: Invitae Variant Classification Sherloc (09022015). Collection method: clinical testing. Allele origin: germline.
Comment: This sequence change replaces alanine, which is neutral and non-polar, with proline, which is neutral and non-polar, at codon 233 of the ACTC1 protein (p.Ala233Pro). This variant is not present in population databases (gnomAD no frequency). This variant has not been reported in the literature in individuals affected with ACTC1-related conditions. ClinVar contains an entry for this variant (Variation ID: 1430818). Advanced modeling of protein sequence and biophysical properties (such as structural, functional, and spatial information, amino acid conservation, physicochemical variation, residue mobility, and thermodynamic stability) performed at Invitae indicates that this missense variant is not expected to disrupt ACTC1 protein function with a negative predictive value of 80%. In summary, the available evidence is currently insufficient to determine the role of this variant in disease. Therefore, it has been classified as a Variant of Uncertain Significance.

NM_005159.5(ACTC1):c.697G>C (p.Ala233Pro)

Genes: ACTC1 (actin alpha cardiac muscle 1; minus strand), GJD2-DT (GJD2 divergent transcript; plus strand). Cytogenetic location: 15q14.
Variant type: single nucleotide variant.
Coding change: c.697G>C on transcript NM_005159.5 (MANE Select); coding-DNA position 697, G replaced by C.
Protein change: p.Ala233Pro; replaces alanine 233 with proline.
Molecular consequence: missense variant.
Genome position (GRCh38, 1-based): chr15:34,792,201, C>G on the plus strand (G>C on the coding strand, the complement: ACTC1 is on the minus strand). VCF-style: chr15-34792201-C-G. GRCh37 (hg19) VCF-style: chr15-35084402-C-G.
Other names: short protein forms A233P.
Identifiers: ClinVar variation 1430818 (VCV001430818.6), dbSNP rs2140430611, ClinGen allele CA391630510.